The following continues an entry in ClinVar:

NM_007194.4(CHEK2):c.480A>G (p.Ile160Met)

Gene: CHEK2. ClinVar aggregate classification (germline): Conflicting classifications of pathogenicity. Uncertain significance (15); Likely benign (2).

Submissions 9 to 23 of 23:

GeneDx
Classification: Uncertain significance. Last evaluated: 2023-08-02. Review status: criteria provided, single submitter. Criteria: GeneDx Variant Classification Process June 2021. Collection method: clinical testing. Allele origin: germline. Affected: yes.
Comment: Published functional studies are inconclusive: partial to no impact on response to DNA damage and growth rate, expression levels similar to wild type, and phosphorylation of Thr68 when irradiated similar to wild type (Roeb et al., 2012; Delimitsou et al., 2019; Wagener et al., 2022); Observed in individuals with breast cancer (Dufault et al., 2004; Mohamad et al., 2015; Tsai et al., 2019; Akcay et al., 2020; da Costa e Silva Carvalho et al., 2020; Moradian et al., 2021; Andrikopoulou et al., 2022; Zografos et al., 2022); Not observed at significant frequency in large population cohorts (gnomAD); Also known as c.609A>G or p.Ile203Met; In silico analysis supports that this missense variant does not alter protein structure/function; This variant is associated with the following publications: (PMID: 22419737, 15095295, 25629968, 28553140, 30303537, 32546565, 27153395, 30851065, 31159747, 31296309, 30374176, 32039725, 32900738, 33558524, 32658311, 33471991, 35127508, 28779002, 35772246, 36468172, 25186627, 19782031, 36011273)

Ambry Genetics
Classification: Likely benign for Hereditary cancer-predisposing syndrome. Last evaluated: 2022-07-20. Review status: criteria provided, single submitter. Criteria: Ambry Variant Classification Scheme 2023. Collection method: clinical testing. Allele origin: germline.

Sema4
Classification: Uncertain significance for Hereditary cancer-predisposing syndrome. Last evaluated: 2021-10-19. Review status: criteria provided, single submitter. Criteria: Sema4 Curation Guidelines. Collection method: curation. Allele origin: germline.
Comment: The CHEK2 c.480A>G (p.I160M) variant has been reported in numerous individuals with breast cancer as well as unaffected controls (PMID: 33471991, 15095295, 25629968, 32039725, 32658311, 33558524). However, at least two of these individuals also carried additional variant in the CHEK2 gene that may be deleterious (PMID: 22419737, 25186627). In vivo yeast-based assays demonstrated that this variant results a partial response to DNA damage and normal growth rate (PMID: 22419737, 30851065). This variant was observed in 24/30612 chromosomes in the South Asian population, including no homozygotes, according to the Genome Aggregation Database (PMID: 32461654). This variant has been reported in ClinVar (Variation ID: 128077). In silico tools suggest the impact of the variant on protein function is deleterious, though these predictions have not been confirmed by functional studies. The evidence is insufficient to meet ACMG/AMP criteria for classifying the variant as benign or pathogenic. Thus, the clinical significance of this variant is currently uncertain.

Quest Diagnostics Nichols Institute San Juan Capistrano
Classification: Uncertain significance. Last evaluated: 2021-03-10. Review status: criteria provided, single submitter. Criteria: Quest Diagnostics criteria. Collection method: clinical testing. Allele origin: unknown.

Genetics and Molecular Pathology, SA Pathology
Classification: Uncertain significance for Familial cancer of breast. Last evaluated: 2020-11-24. Review status: criteria provided, single submitter. Criteria: ACMG Guidelines, 2015. Collection method: clinical testing. Allele origin: germline. Affected: yes.

CHEO Genetics Diagnostic Laboratory, Children's Hospital of Eastern Ontario
Classification: Uncertain significance for Breast and/or ovarian cancer. Last evaluated: 2020-06-25. Review status: criteria provided, single submitter. Criteria: ACMG Guidelines, 2015. Collection method: clinical testing. Allele origin: germline.

Genomic Research Center, Shahid Beheshti University of Medical Sciences
Classification: Uncertain significance for CHEK2-Related Cancer Susceptibility. Last evaluated: 2019-04-27. Review status: criteria provided, single submitter. Criteria: ACMG Guidelines, 2015. Collection method: clinical testing. Allele origin: unknown. Affected: yes.

GeneKor MSA
Classification: Uncertain significance for Hereditary cancer-predisposing syndrome. Last evaluated: 2018-08-01. Review status: criteria provided, single submitter. Criteria: ACMG Guidelines, 2015. Collection method: clinical testing. Allele origin: germline. Affected: yes.

Genetic Services Laboratory, University of Chicago
Classification: Uncertain significance. Last evaluated: 2017-11-01. Review status: criteria provided, single submitter. Criteria: ACMG Guidelines, 2015. Collection method: clinical testing. Allele origin: germline. Affected: no.

Zotz-Klimas Genetics Lab, MVZ Zotz Klimas
Classification: Uncertain significance for CHEK2-related cancer predisposition. Last evaluated: 2023-10-30. Review status: no assertion criteria provided. Collection method: clinical testing. Allele origin: germline. Affected: yes. Not counted in ClinVar's aggregate classification.

Center of Medical Genetics and Primary Health Care
Classification: Uncertain significance for Familial cancer of breast. Last evaluated: 2020-04-08. Review status: no assertion criteria provided. Collection method: research. Allele origin: germline. Affected: yes. Observed: 1 heterozygote. Not counted in ClinVar's aggregate classification.
Comment: ACMG Guidelines 2015 criteria PM1 Pathogenic Moderate: FHA functional domain (Y156-218V aa) as phosphopeptide recognition site. Hot-spot has 18 non-VUS coding variants (12 pathogenic and 6 benign), pathogenicity = 66.7%, proximity score 7.639> threshold 2.472. PP2 Pathogenic Supporting: 30 out of 48 non-VUS missense variants in gene CHEK2 are pathogenic = 62.5% > threshold of 51.0%, and 308 out of 1,604 clinically reported variants in gene CHEK2 are pathogenic = 19.2% > threshold of 12.0%. PP3 Pathogenic Supporting: 8 pathogenic predictions from DANN, FATHMM-MKL, M-CAP, MVP, MutationAssessor, MutationTaster, REVEL and SIFT vs 3 benign predictions from DEOGEN2, EIGEN and PrimateAI. Meantime, this variant has been shown to have a partial response to DNA damage in an in vivo functional assay (Roeb 2012). CHEK2 Ile160Met has been observed in individuals with breast and/or ovarian cancer (Dufault 2004, Mohamad 2015, Maxwell 2016). Therefore, this variant was classified as a Variant of Unknown Significance.

Clinical Genetics DNA and cytogenetics Diagnostics Lab, Erasmus MC, Erasmus Medical Center
Classification: Uncertain significance. Review status: no assertion criteria provided. Collection method: clinical testing. Allele origin: germline. Affected: yes. Study: VKGL Data-share Consensus. Not counted in ClinVar's aggregate classification.

Department of Pathology and Laboratory Medicine, Sinai Health System
Classification: Uncertain significance. Review status: no assertion criteria provided. Collection method: clinical testing. Allele origin: unknown. Affected: yes. Study: The Canadian Open Genetics Repository (COGR). Not counted in ClinVar's aggregate classification.
Comment: The CHEK2 p.Ile160Met variant was identified in 4 of 2906 proband chromosomes (frequency: 0.001) from German and Malaysian individuals or families with BRCA1/2 negative HBOC or breast cancer and was identified in 1 of 1540 control chromosomes (freq: 0.001) from healthy individuals (Dufault 2004, Mohamad 2015). Functional analyses using a yeast based assay to assess in vivo CHEK2 mediated response to DNA damage showed the variant had a partial response to DNA damage (Roeb 2012). In this study, the variant co-occurred with CHEK2 p.G167R which was found to have no response to DNA damage; further, segregation studies showed the p.Ile160Met was carried by the affected father diagnosed with breast cancer and his elderly unaffected sister. The variant was also identified in the following databases: dbSNP (ID: rs575910805) â€šÃ„ÃºWith Uncertain significance alleleâ€šÃ„Ã¹, ClinVar (classified with conflicting interpretations of pathogenicity; submitters: uncertain significance by GeneDx and Ambry Genetics, and likely benign by Invitae), Clinvitae (3x), Cosmic (1x in a Ewings sarcoma tumour), and was not identified in MutDB or the Zhejiang Colon Cancer Database. The variant was identified in control databases in 31 of 277194 chromosomes at a frequency of 0.0001 increasing the likelihood that this may be a low frequency variant in certain populations of origin (Genome Aggregation Consortium Feb 27, 2017). Observations by population include, European Non-Finnish in 7 of 126678 chromosomes (freq. 0.00006) and South Asian in 24 of 30782 chromosomes (freq. 0.0008); it was not seen in the East Asian, Other, Latino, Ashkenazi Jewish, and European Finnish populations. The p.Ile160 residue is not conserved in mammals and computational analyses (PolyPhen-2, SIFT, AlignGVGD, BLOSUM, MutationTaster) provide inconsistent predictions regarding the impact of Met to the protein; this information is not very predictive of pathogenicity. The variant occurs outside of the splicing consensus sequence and 1 of 5 in silico or computational prediction software programs (SpliceSiteFinder, MaxEntScan, NNSPLICE, GeneSplicer, HumanSpliceFinder) predict a greater than 10% difference in splicing; this is not very predictive of pathogenicity. In summary, based on the above information the clinical significance of this variant cannot be determined with certainty at this time. This variant is classified as a variant of uncertain significance.

Joint Genome Diagnostic Labs from Nijmegen and Maastricht, Radboudumc and MUMC+
Classification: Uncertain significance. Review status: no assertion criteria provided. Collection method: clinical testing. Allele origin: germline. Affected: yes. Study: VKGL Data-share Consensus. Not counted in ClinVar's aggregate classification.

Laboratory of Diagnostic Genome Analysis, Leiden University Medical Center (LUMC)
Classification: Uncertain significance. Review status: no assertion criteria provided. Collection method: clinical testing. Allele origin: germline. Affected: yes. Study: VKGL Data-share Consensus. Not counted in ClinVar's aggregate classification.

Literature cited by the submitters: PubMed 30851065 (cited by 5 submitters); PubMed 22419737 (cited by 6 submitters); PubMed 37449874 (cited by Center for Genomic Medicine, Rigshospitalet, Copenhagen University Hospital); PubMed 15095295 (cited by 5 submitters); PubMed 25629968 (cited by 5 submitters); PubMed 27153395 (cited by Color Diagnostics, LLC DBA Color Health and Women's Health and Genetics/Laboratory Corporation of America, LabCorp); PubMed 32039725 (cited by 3 submitters); PubMed 33471991 (cited by 3 submitters); PubMed 33558524 (cited by 3 submitters); PubMed 35127508 (cited by Color Diagnostics, LLC DBA Color Health and Women's Health and Genetics/Laboratory Corporation of America, LabCorp); PubMed 36011273 (cited by Color Diagnostics, LLC DBA Color Health and Women's Health and Genetics/Laboratory Corporation of America, LabCorp); PubMed 25186627 (cited by 3 submitters); PubMed 30374176 (cited by Women's Health and Genetics/Laboratory Corporation of America, LabCorp); PubMed 30303537 (cited by Women's Health and Genetics/Laboratory Corporation of America, LabCorp); PubMed 31159747 (cited by Women's Health and Genetics/Laboratory Corporation of America, LabCorp); PubMed 32658311 (cited by Women's Health and Genetics/Laboratory Corporation of America, LabCorp and Sema4); PubMed 28779002 (cited by Quest Diagnostics Nichols Institute San Juan Capistrano).